The following is an entry in ClinVar:

NM_003590.5(CUL3):c.1377+6G>T

Gene: CUL3 (cullin 3; minus strand). Cytogenetic location: 2q36.2.
Variant type: single nucleotide variant.
Coding change: c.1377+6G>T on transcript NM_003590.5 (MANE Select); 6 bases into the intron after coding-DNA position 1377, G replaced by T.
Molecular consequence: intron variant.
Genome position (GRCh38, 1-based): chr2:224,503,646, C>A on the plus strand (G>T on the coding strand, the complement: CUL3 is on the minus strand). VCF-style: chr2-224503646-C-A. GRCh37 (hg19) VCF-style: chr2-225368363-C-A.
Other names: c.1179+6G>T (NM_001257197.2); c.1395+6G>T (NM_001257198.2).
Identifiers: ClinVar variation 3585708 (VCV003585708.3).

ClinVar aggregate classification (germline): Uncertain significance. Review status: criteria provided, multiple submitters, no conflicts (2 of 4 stars). 2 submissions from 2 submitters: Uncertain significance (2). Last evaluated 2024-05-21.

Conditions:
Pseudohypoaldosteronism type 2E (PHA2E). Also called: Pseudohypoaldosteronism Type IIE. Identifiers: Orphanet 300530, Orphanet 757, MedGen C3469606, MONDO:0013782, OMIM 614496.
Neurodevelopmental disorder with or without autism or seizures (NEDAUS). Identifiers: MedGen C5543225, MONDO:0030994, OMIM 619239.

Submissions (2):

Fulgent Genetics
Classification: Uncertain significance for Pseudohypoaldosteronism type 2E; Neurodevelopmental disorder with or without autism or seizures. Last evaluated: 2024-05-21. Review status: criteria provided, single submitter. Criteria: ACMG Guidelines, 2015. Collection method: clinical testing. Allele origin: germline.

Labcorp Genetics (formerly Invitae), Labcorp
Classification: Uncertain significance. Last evaluated: 2024-04-14. Review status: criteria provided, single submitter. Criteria: Invitae Variant Classification Sherloc (09022015). Collection method: clinical testing. Allele origin: germline.
Comment: This sequence change falls in intron 9 of the CUL3 gene. It does not directly change the encoded amino acid sequence of the CUL3 protein. It affects a nucleotide within the consensus splice site. This variant is not present in population databases (gnomAD no frequency). This variant has not been reported in the literature in individuals affected with CUL3-related conditions. Variants that disrupt the consensus splice site are a relatively common cause of aberrant splicing (PMID: 17576681, 9536098). Algorithms developed to predict the effect of sequence changes on RNA splicing suggest that this variant is not likely to affect RNA splicing. In summary, the available evidence is currently insufficient to determine the role of this variant in disease. Therefore, it has been classified as a Variant of Uncertain Significance.

Literature cited by the submitters: PubMed 17576681 (cited by Labcorp Genetics (formerly Invitae), Labcorp); PubMed 9536098 (cited by Labcorp Genetics (formerly Invitae), Labcorp).